The following is an entry in ClinVar:

NM_001379500.1(COL18A1):c.2187+7G>C

Gene: COL18A1 (collagen type XVIII alpha 1 chain; plus strand). Cytogenetic location: 21q22.3.
Variant type: single nucleotide variant.
Coding change: c.2187+7G>C on transcript NM_001379500.1 (MANE Select); 7 bases into the intron after coding-DNA position 2187, G replaced by C.
Molecular consequence: intron variant.
Genome position (GRCh38, 1-based): chr21:45,492,571, G>C. VCF-style: chr21-45492571-G-C. GRCh37 (hg19) VCF-style: chr21-46912485-G-C.
Other names: NM_130445.2:c.2187+7G>C; c.2727+7G>C (NM_030582.3, NM_030582.4); c.3432+7G>C (NM_130444.3).
Identifiers: ClinVar variation 340239 (VCV000340239.15), dbSNP rs369701764, ClinGen allele CA10066879.

ClinVar aggregate classification (germline): Conflicting classifications of pathogenicity. Review status: criteria provided, conflicting classifications (1 of 4 stars). 4 submissions from 4 submitters: Uncertain significance (1); Likely benign (2). 1 of the submissions does not count toward it. Last evaluated 2026-02-01.

Conditions:
COL18A1-related disorder. Also called: COL18A1-related disorders; COL18A1-related condition.
Knobloch syndrome (KNO). Also called: RETINAL DETACHMENT AND OCCIPITAL ENCEPHALOCELE; Myopia retinal detachment encephalocele. Identifiers: Orphanet 1571, MedGen C1849409, MONDO:0800166.

Allele frequency attached by ClinVar (database versions not stated): gnomAD 0.00006 and 0.00009; TOPMed 0.00009; gnomAD exomes 0.00023; ExAC 0.00024; ESP Exome Variant Server 0.00025.
gnomAD v4.1: 400 of 1,613,176 alleles (0.025%); highest among the groups gnomAD compares: South Asian, 0.13%; no homozygotes.

Submissions (4):

Labcorp Genetics (formerly Invitae), Labcorp
Classification: Likely benign. Last evaluated: 2026-02-01. Review status: criteria provided, single submitter. Criteria: Invitae Variant Classification Sherloc (09022015). Collection method: clinical testing. Allele origin: germline.

Blueprint Genetics
Classification: Likely benign. Last evaluated: 2024-11-28. Review status: criteria provided, single submitter. Criteria: ACMG Guidelines, 2015. Collection method: clinical testing. Allele origin: germline.

Illumina Laboratory Services, Illumina
Classification: Uncertain significance for Knobloch syndrome 1. Last evaluated: 2018-01-13. Review status: criteria provided, single submitter. Criteria: ICSL Variant Classification Criteria 13 December 2019. Collection method: clinical testing. Allele origin: germline.

PreventionGenetics, part of Exact Sciences
Classification: Likely benign for COL18A1-related condition. Last evaluated: 2019-02-19. Review status: no assertion criteria provided. Collection method: clinical testing. Allele origin: germline. Not counted in ClinVar's aggregate classification.
Comment: This variant is classified as likely benign based on ACMG/AMP sequence variant interpretation guidelines (Richards et al. 2015 PMID: 25741868, with internal and published modifications).